The following is an entry in ClinVar:

NM_001206927.2(DNAH8):c.6367C>T (p.Pro2123Ser)

Gene: DNAH8 (dynein axonemal heavy chain 8; plus strand). Cytogenetic location: 6p21.2.
Variant type: single nucleotide variant.
Coding change: c.6367C>T on transcript NM_001206927.2 (MANE Select); coding-DNA position 6367, C replaced by T.
Protein change: p.Pro2123Ser; replaces proline 2123 with serine.
Molecular consequence: missense variant.
Genome position (GRCh38, 1-based): chr6:38,863,929, C>T. VCF-style: chr6-38863929-C-T. GRCh37 (hg19) VCF-style: chr6-38831705-C-T.
Other names: c.5716C>T, p.Pro1906Ser (NM_001371.4); short protein forms P1906S, P2123S.
Identifiers: ClinVar variation 3691804 (VCV003691804.2).

ClinVar aggregate classification (germline): Uncertain significance (1 of 4 stars; one submission).

Conditions:
Primary ciliary dyskinesia. Also called: Ciliary dyskinesia. Identifiers: Orphanet 244, MedGen C0008780, MONDO:0016575, HP:0012265.

gnomAD v4.1: 2 of 1,611,954 alleles (0.00012%); highest among the groups gnomAD compares: Admixed American, 0.0017%; no homozygotes.

Submission:

Labcorp Genetics (formerly Invitae), Labcorp
Classification: Uncertain significance for Primary ciliary dyskinesia. Last evaluated: 2025-02-14. Review status: criteria provided, single submitter. Criteria: Invitae Variant Classification Sherloc (09022015). Collection method: clinical testing. Allele origin: germline.
Comment: This sequence change replaces proline, which is neutral and non-polar, with serine, which is neutral and polar, at codon 2123 of the DNAH8 protein (p.Pro2123Ser). This variant is not present in population databases (gnomAD no frequency). This variant has not been reported in the literature in individuals affected with DNAH8-related conditions. Invitae Evidence Modeling of protein sequence and biophysical properties (such as structural, functional, and spatial information, amino acid conservation, physicochemical variation, residue mobility, and thermodynamic stability) has been performed for this missense variant. However, the output from this modeling did not meet the statistical confidence thresholds required to predict the impact of this variant on DNAH8 protein function. Algorithms developed to predict the effect of sequence changes on RNA splicing suggest that this variant may disrupt the consensus splice site. In summary, the available evidence is currently insufficient to determine the role of this variant in disease. Therefore, it has been classified as a Variant of Uncertain Significance.